The following is an entry in ClinVar:

ClinVar aggregate classification (germline): Uncertain significance (1 of 4 stars; one submission).

gnomAD v4.1: 1 of 1,377,210 alleles (0.000073%); no homozygotes.

Submission:

Ambry Genetics
Classification: Uncertain significance. Last evaluated: 2025-01-10. Review status: criteria provided, single submitter. Criteria: Ambry Variant Classification Scheme 2023. Collection method: clinical testing. Allele origin: germline.
Comment: The p.V119L variant (also known as c.355G>C), located in coding exon 1 of the WNK2 gene, results from a G to C substitution at nucleotide position 355. The valine at codon 119 is replaced by leucine, an amino acid with highly similar properties. This amino acid position is conserved. In addition, this alteration is predicted to be tolerated by in silico analysis. Based on the available evidence, the clinical significance of this variant remains unclear.

NM_006648.4(WNK2):c.355G>C (p.Val119Leu)

Gene: WNK2 (WNK lysine deficient protein kinase 2; plus strand). Cytogenetic location: 9q22.31.
Variant type: single nucleotide variant.
Coding change: c.355G>C on transcript NM_006648.4 (MANE Select); coding-DNA position 355, G replaced by C.
Protein change: p.Val119Leu; replaces valine 119 with leucine.
Molecular consequence: missense variant.
Genome position (GRCh38, 1-based): chr9:93,185,284, G>C. VCF-style: chr9-93185284-G-C. GRCh37 (hg19) VCF-style: chr9-95947566-G-C.
Other names: c.355G>C, p.Val119Leu (NM_001282394.3); short protein forms V119L.
Identifiers: ClinVar variation 3816799 (VCV003816799.1).
Genomic context (GRCh38, chr9:93,185,284, plus strand): 5'-GCAGCGCTGGTAGCGCAGCCGGGAGCCCCCGGAGCCCCCGCGGACGCCGGCCCCGAGCCC[G>C]TGGGCACGCAGGAGCCCGGCCCGGACCCCATCGCAGCCGCTGTCGAAACCGCGCCTGCCC-3'
Protein context (NP_006639.3, residues 109-129): GAPADAGPEP[Val119Leu]GTQEPGPDPI